The following is an entry in ClinVar:

NM_018417.6(ADCY10):c.2005A>G (p.Ile669Val)

Gene: ADCY10 (adenylate cyclase 10; minus strand). Cytogenetic location: 1q24.2.
Variant type: single nucleotide variant.
Coding change: c.2005A>G on transcript NM_018417.6 (MANE Select); coding-DNA position 2005, A replaced by G.
Protein change: p.Ile669Val; replaces isoleucine 669 with valine.
Molecular consequence: missense variant.
Genome position (GRCh38, 1-based): chr1:167,856,331, T>C on the plus strand (A>G on the coding strand, the complement: ADCY10 is on the minus strand). VCF-style: chr1-167856331-T-C. GRCh37 (hg19) VCF-style: chr1-167825569-T-C.
Other names: c.1546A>G, p.Ile516Val (NM_001167749.3); c.1729A>G, p.Ile577Val (NM_001297772.2); c.2005A>G (NM_018417.4); short protein forms I577V, I669V, I516V.
Identifiers: ClinVar variation 948150 (VCV000948150.10), dbSNP rs764189405, ClinGen allele CA1227760.

ClinVar aggregate classification (germline): Uncertain significance. Review status: criteria provided, multiple submitters, no conflicts (2 of 4 stars). 4 submissions from 4 submitters: Uncertain significance (4). Last evaluated 2026-08-11.

Conditions:
Familial idiopathic hypercalciuria (HCA2). Also called: Hypercalciuria, absorptive, 2; Hypercalciuria, absorptive, susceptibility to. Identifiers: MedGen C0342639, MONDO:0007748, OMIM 143870.
ADCY10-related disorder. Also called: ADCY10-related condition.

Allele frequency attached by ClinVar (database versions not stated): ExAC 0.00001; gnomAD exomes 0.00001 and 0.00002; gnomAD 0.00004; TOPMed 0.00017.

Submissions (4):

PreventionGenetics, part of Exact Sciences
Classification: Uncertain significance for ADCY10-related condition. Last evaluated: 2026-08-11. Review status: criteria provided, single submitter. Criteria: ACMG Guidelines, 2015. Collection method: clinical testing. Allele origin: germline.
Comment: The ADCY10 c.2005A>G variant is predicted to result in the amino acid substitution p.Ile669Val. To our knowledge, this variant has not been reported in the literature. This variant is reported in 0.014% of alleles in individuals of Latino descent in gnomAD. At this time, the clinical significance of this variant is uncertain due to the absence of conclusive functional and genetic evidence.

Labcorp Genetics (formerly Invitae), Labcorp
Classification: Uncertain significance. Last evaluated: 2025-12-30. Review status: criteria provided, single submitter. Criteria: Invitae Variant Classification Sherloc (09022015). Collection method: clinical testing. Allele origin: germline.
Comment: This sequence change replaces isoleucine, which is neutral and non-polar, with valine, which is neutral and non-polar, at codon 669 of the ADCY10 protein (p.Ile669Val). This variant is present in population databases (rs764189405, gnomAD 0.01%). This variant has not been reported in the literature in individuals affected with ADCY10-related conditions. ClinVar contains an entry for this variant (Variation ID: 948150). An algorithm developed to predict the effect of missense changes on protein structure and function outputs the following: PolyPhen-2: "Benign". The valine amino acid residue is found in multiple mammalian species, which suggests that this missense change does not adversely affect protein function. In summary, the available evidence is currently insufficient to determine the role of this variant in disease. Therefore, it has been classified as a Variant of Uncertain Significance.

Ambry Genetics
Classification: Uncertain significance. Last evaluated: 2024-11-25. Review status: criteria provided, single submitter. Criteria: Ambry Variant Classification Scheme 2023. Collection method: clinical testing. Allele origin: germline.

Fulgent Genetics
Classification: Uncertain significance for Familial idiopathic hypercalciuria. Last evaluated: 2021-10-19. Review status: criteria provided, single submitter. Criteria: ACMG Guidelines, 2015. Collection method: clinical testing. Allele origin: unknown.